The following is an entry in ClinVar:

ClinVar aggregate classification (germline): Pathogenic (1 of 4 stars; one submission).

gnomAD v4.1: 15 of 1,612,750 alleles (0.00093%); highest among the groups gnomAD compares: Non-Finnish European, 0.0013%; no homozygotes.

Submission:

Labcorp Genetics (formerly Invitae), Labcorp
Classification: Pathogenic. Last evaluated: 2024-02-16. Review status: criteria provided, single submitter. Criteria: Invitae Variant Classification Sherloc (09022015). Collection method: clinical testing. Allele origin: germline.
Comment: This sequence change creates a premature translational stop signal (p.Gln191*) in the DRAM2 gene. It is expected to result in an absent or disrupted protein product. Loss-of-function variants in DRAM2 are known to be pathogenic (PMID: 25983245). This variant is present in population databases (rs745473812, gnomAD 0.002%). This variant has not been reported in the literature in individuals affected with DRAM2-related conditions. Algorithms developed to predict the effect of sequence changes on RNA splicing suggest that this variant may disrupt the consensus splice site. For these reasons, this variant has been classified as Pathogenic.

Literature cited by the submitters: PubMed 25983245.

NM_001349884.2(DRAM2):c.571C>T (p.Gln191Ter)

Gene: DRAM2 (DNA damage regulated autophagy modulator 2; minus strand). Cytogenetic location: 1p13.3.
Variant type: single nucleotide variant.
Coding change: c.571C>T on transcript NM_001349884.2 (MANE Select); coding-DNA position 571, C replaced by T.
Protein change: p.Gln191Ter; replaces glutamine 191 with a stop codon.
Molecular consequence: nonsense. On other transcripts: non-coding transcript variant (8).
Genome position (GRCh38, 1-based): chr1:111,119,906, G>A on the plus strand (C>T on the coding strand, the complement: DRAM2 is on the minus strand). VCF-style: chr1-111119906-G-A. GRCh37 (hg19) VCF-style: chr1-111662528-G-A.
Other names: c.571C>T, p.Gln191Ter (NM_001349881.2, NM_001349882.2, NM_178454.6 and 1 more transcripts); c.301C>T, p.Gln101Ter (NM_001349886.2, NM_001349887.2, NM_001349888.2); c.181C>T, p.Gln61Ter (NM_001349889.2, NM_001349890.2, NM_001349891.2 and 2 more transcripts); short protein forms Q191*, Q101*, Q61*.
Identifiers: ClinVar variation 3687980 (VCV003687980.2).